The following is an entry in ClinVar:

NM_000070.3(CAPN3):c.1687C>T (p.Pro563Ser)

Gene: CAPN3 (calpain 3; plus strand). Cytogenetic location: 15q15.1.
Variant type: single nucleotide variant.
Coding change: c.1687C>T on transcript NM_000070.3 (MANE Select); coding-DNA position 1687, C replaced by T.
Protein change: p.Pro563Ser; replaces proline 563 with serine.
Molecular consequence: missense variant.
Genome position (GRCh38, 1-based): chr15:42,402,944, C>T. VCF-style: chr15-42402944-C-T. GRCh37 (hg19) VCF-style: chr15-42695142-C-T.
Other names: c.1543C>T, p.Pro515Ser (NM_173087.2); c.151C>T, p.Pro51Ser (NM_173088.2); c.1687C>T, p.Pro563Ser (NM_024344.2); short protein forms P51S, P563S, P515S.
Identifiers: ClinVar variation 4691050 (VCV004691050.1).

ClinVar aggregate classification (germline): Uncertain significance (1 of 4 stars; one submission).

Conditions:
Autosomal recessive limb-girdle muscular dystrophy type 2A (LGMDR1). Also called: Limb-girdle muscular dystrophy, type 2A; Calpainopathy; LEYDEN-MOEBIUS MUSCULAR DYSTROPHY; MUSCULAR DYSTROPHY, PELVOFEMORAL; Muscular dystrophy, limb-girdle, type 2A, Amish. Identifiers: Orphanet 267, MedGen C1869123, MONDO:0009675, OMIM 253600. Disease mechanism: loss of function.

gnomAD v4.1: 3 of 1,614,198 alleles (0.00019%); highest among the groups gnomAD compares: African/African-American, 0.0013%; no homozygotes.

Submission:

Labcorp Genetics (formerly Invitae), Labcorp
Classification: Uncertain significance for Autosomal recessive limb-girdle muscular dystrophy type 2A. Last evaluated: 2025-06-01. Review status: criteria provided, single submitter. Criteria: Invitae Variant Classification Sherloc (09022015). Collection method: clinical testing. Allele origin: germline.
Comment: This sequence change replaces proline, which is neutral and non-polar, with serine, which is neutral and polar, at codon 563 of the CAPN3 protein (p.Pro563Ser). This variant is not present in population databases (gnomAD no frequency). This variant has not been reported in the literature in individuals affected with CAPN3-related conditions. Invitae Evidence Modeling of protein sequence and biophysical properties (such as structural, functional, and spatial information, amino acid conservation, physicochemical variation, residue mobility, and thermodynamic stability) indicates that this missense variant is not expected to disrupt CAPN3 protein function with a negative predictive value of 80%. In summary, the available evidence is currently insufficient to determine the role of this variant in disease. Therefore, it has been classified as a Variant of Uncertain Significance.